The following is an entry in ClinVar:

NM_015466.4(PTPN23):c.3545G>A (p.Arg1182Gln)

Gene: PTPN23 (protein tyrosine phosphatase non-receptor type 23; plus strand). Cytogenetic location: 3p21.31.
Variant type: single nucleotide variant.
Coding change: c.3545G>A on transcript NM_015466.4 (MANE Select); coding-DNA position 3545, G replaced by A.
Protein change: p.Arg1182Gln; replaces arginine 1182 with glutamine.
Molecular consequence: missense variant.
Genome position (GRCh38, 1-based): chr3:47,411,343, G>A. VCF-style: chr3-47411343-G-A. GRCh37 (hg19) VCF-style: chr3-47452833-G-A.
Other names: c.3167G>A, p.Arg1056Gln (NM_001304482.2); c.3545G>A (NM_015466.3); short protein forms R1056Q, R1182Q.
Identifiers: ClinVar variation 1335515 (VCV001335515.43), dbSNP rs148987427, ClinGen allele CA2366303.
Genomic context (GRCh38, chr3:47,411,343, plus strand): 5'-GGGACCCCTATGAGCATCCTGAGAGGCTGCGGCAGTTGCAGCAGGAGCTGGAGGCCTTTC[G>A]GGGTCAGCTGGGGGATGTGGGAGCTCTGGACACTGTCTGGCGAGAGCTGCAAGATGCGCA-3'
Protein context (NP_056281.1, residues 1172-1192): RQLQQELEAF[Arg1182Gln]GQLGDVGALD

ClinVar aggregate classification (germline): Conflicting classifications of pathogenicity. Review status: criteria provided, conflicting classifications (1 of 4 stars). 5 submissions from 5 submitters: Uncertain significance (1); Benign (1); Likely benign (2). 1 of the submissions does not count toward it. Last evaluated 2026-02-01.

Conditions:
PTPN23-related disorder. Also called: PTPN23-related condition.

Allele frequency attached by ClinVar (database versions not stated): gnomAD exomes 0.00063; TOPMed 0.00066; gnomAD 0.00109 and 0.00113; ESP Exome Variant Server 0.00123.

Submissions (5):

Labcorp Genetics (formerly Invitae), Labcorp
Classification: Benign. Last evaluated: 2026-02-01. Review status: criteria provided, single submitter. Criteria: Invitae Variant Classification Sherloc (09022015). Collection method: clinical testing. Allele origin: germline.

Blueprint Genetics
Classification: Likely benign. Last evaluated: 2024-11-11. Review status: criteria provided, single submitter. Criteria: ACMG Guidelines, 2015. Collection method: clinical testing. Allele origin: germline.

CeGaT Center for Human Genetics Tuebingen
Classification: Uncertain significance. Last evaluated: 2022-10-01. Review status: criteria provided, single submitter. Criteria: CeGaT Center For Human Genetics Tuebingen Variant Classification Criteria Version 2. Collection method: clinical testing. Allele origin: germline. Affected: yes. Observed: 2 variant alleles.

Breakthrough Genomics
Classification: Likely benign. Review status: criteria provided, single submitter. Criteria: ACMG Guidelines, 2015. Collection method: not provided. Allele origin: germline. Inheritance: Autosomal recessive inheritance. Affected: yes.

PreventionGenetics, part of Exact Sciences
Classification: Likely benign for PTPN23-related condition. Last evaluated: 2020-11-06. Review status: no assertion criteria provided. Collection method: clinical testing. Allele origin: germline. Not counted in ClinVar's aggregate classification.
Comment: This variant is classified as likely benign based on ACMG/AMP sequence variant interpretation guidelines (Richards et al. 2015 PMID: 25741868, with internal and published modifications).